The following is an entry in ClinVar:

NM_001367624.2(ZNF469):c.11710C>G (p.Pro3904Ala)

Gene: ZNF469 (zinc finger protein 469; plus strand). Cytogenetic location: 16q24.2.
Variant type: single nucleotide variant.
Coding change: c.11710C>G on transcript NM_001367624.2 (MANE Select); coding-DNA position 11710, C replaced by G.
Protein change: p.Pro3904Ala; replaces proline 3904 with alanine.
Molecular consequence: missense variant.
Genome position (GRCh38, 1-based): chr16:88,439,180, C>G. VCF-style: chr16-88439180-C-G. GRCh37 (hg19) VCF-style: chr16-88505588-C-G.
Other names: NM_001127464.1:c.11626C>G; short protein forms P3904A.
Identifiers: ClinVar variation 3232752 (VCV003232752.1), dbSNP rs1447157445, ClinGen allele CA397131043.

ClinVar aggregate classification (germline): Uncertain significance (1 of 4 stars; one submission).

Conditions:
Cardiovascular phenotype. Identifiers: MedGen CN230736.

gnomAD v4.1: 1 of 1,550,464 alleles (0.000064%); highest among the groups gnomAD compares: Non-Finnish European, 0.000087%; no homozygotes.

Submission:

Ambry Genetics
Classification: Uncertain significance for Cardiovascular phenotype. Last evaluated: 2024-02-26. Review status: criteria provided, single submitter. Criteria: Ambry Variant Classification Scheme 2023. Collection method: clinical testing. Allele origin: germline.
Comment: The p.P3876A variant (also known as c.11626C>G), located in coding exon 2 of the ZNF469 gene, results from a C to G substitution at nucleotide position 11626. The proline at codon 3876 is replaced by alanine, an amino acid with highly similar properties. This amino acid position is conserved. In addition, this alteration is predicted to be tolerated by in silico analysis. Based on the available evidence, the clinical significance of this alteration remains unclear.